The following is an entry in ClinVar:

NM_016604.4(KDM3B):c.3823A>G (p.Asn1275Asp)

Gene: KDM3B (lysine demethylase 3B; plus strand). Cytogenetic location: 5q31.2.
Variant type: single nucleotide variant.
Coding change: c.3823A>G on transcript NM_016604.4 (MANE Select); coding-DNA position 3823, A replaced by G.
Protein change: p.Asn1275Asp; replaces asparagine 1275 with aspartic acid.
Molecular consequence: missense variant.
Genome position (GRCh38, 1-based): chr5:138,420,813, A>G. VCF-style: chr5-138420813-A-G. GRCh37 (hg19) VCF-style: chr5-137756502-A-G.
Other names: short protein forms N1275D.
Identifiers: ClinVar variation 3384256 (VCV003384256.1).

ClinVar aggregate classification (germline): Uncertain significance (1 of 4 stars; one submission).

Submission:

GeneDx
Classification: Uncertain significance. Last evaluated: 2024-06-05. Review status: criteria provided, single submitter. Criteria: GeneDx Variant Classification Process June 2021. Collection method: clinical testing. Allele origin: germline. Affected: yes.
Comment: Not observed at significant frequency in large population cohorts (gnomAD); In silico analysis indicates that this missense variant does not alter protein structure/function; Has not been previously published as pathogenic or benign to our knowledge